The following is an entry in ClinVar:

NM_152564.5(VPS13B):c.9943G>T (p.Val3315Phe)

Gene: VPS13B (vacuolar protein sorting 13 homolog B; plus strand). Cytogenetic location: 8q22.2.
Variant type: single nucleotide variant.
Coding change: c.9943G>T on transcript NM_152564.5 (MANE Select); coding-DNA position 9943, G replaced by T.
Protein change: p.Val3315Phe; replaces valine 3315 with phenylalanine.
Molecular consequence: missense variant.
Genome position (GRCh38, 1-based): chr8:99,848,776, G>T. VCF-style: chr8-99848776-G-T. GRCh37 (hg19) VCF-style: chr8-100861004-G-T.
Other names: c.10018G>T (NM_017890.3); c.10018G>T, p.Val3340Phe (NM_017890.5); short protein forms V3315F, V3340F.
Identifiers: ClinVar variation 361086 (VCV000361086.7), dbSNP rs116746734, ClinGen allele CA10626010.

ClinVar aggregate classification (germline): Uncertain significance. Review status: criteria provided, single submitter (1 of 4 stars). 2 submissions from 2 submitters: Uncertain significance (1). 1 of the submissions does not count toward it. Last evaluated 2021-05-19.

Conditions:
Cohen syndrome (COH1). Also called: PEPPER SYNDROME; Cutis verticis gyrata, retinitis pigmentosa, and sensorineural deafness. Identifiers: Orphanet 193, MedGen C0265223, MONDO:0008999, OMIM 216550.

Submissions (2):

GeneDx
Classification: Uncertain significance. Last evaluated: 2021-05-19. Review status: criteria provided, single submitter. Criteria: GeneDx Variant Classification Process June 2021. Collection method: clinical testing. Allele origin: germline. Affected: yes.
Comment: Not observed in large population cohorts (Lek et al., 2016); In silico analysis supports that this missense variant does not alter protein structure/function; Has not been previously published as pathogenic or benign to our knowledge

Counsyl
Classification: Uncertain significance for Cohen syndrome. Last evaluated: 2018-01-04. Review status: no assertion criteria provided. Collection method: clinical testing. Allele origin: unknown. Not counted in ClinVar's aggregate classification.